The following is an entry in ClinVar:

NM_000214.3(JAG1):c.998G>A (p.Cys333Tyr)

Gene: JAG1 (jagged canonical Notch ligand 1; minus strand). Cytogenetic location: 20p12.2.
Variant type: single nucleotide variant.
Coding change: c.998G>A on transcript NM_000214.3 (MANE Select); coding-DNA position 998, G replaced by A.
Protein change: p.Cys333Tyr; replaces cysteine 333 with tyrosine.
Molecular consequence: missense variant.
Genome position (GRCh38, 1-based): chr20:10,652,139, C>T on the plus strand (G>A on the coding strand, the complement: JAG1 is on the minus strand). VCF-style: chr20-10652139-C-T. GRCh37 (hg19) VCF-style: chr20-10632787-C-T.
Other names: short protein forms C333Y.
Identifiers: ClinVar variation 1318622 (VCV001318622.3), dbSNP rs2122614331, ClinGen allele CA408238921.

ClinVar aggregate classification (germline): Uncertain significance (1 of 4 stars; one submission).

Submission:

GeneDx
Classification: Uncertain significance. Last evaluated: 2025-03-07. Review status: criteria provided, single submitter. Criteria: GeneDx Variant Classification Process June 2021. Collection method: clinical testing. Allele origin: germline. Affected: yes.
Comment: Not observed at significant frequency in large population cohorts (gnomAD); In silico analysis supports that this missense variant has a deleterious effect on protein structure/function; Has not been previously published as pathogenic or benign to our knowledge